The following is an entry in ClinVar:

ClinVar aggregate classification (germline): Uncertain significance (1 of 4 stars; one submission).

Conditions:
Cardiovascular phenotype. Identifiers: MedGen CN230736.

Submission:

Ambry Genetics
Classification: Uncertain significance for Cardiovascular phenotype. Last evaluated: 2026-07-01. Review status: criteria provided, single submitter. Criteria: Ambry Variant Classification Scheme 2023. Collection method: clinical testing. Allele origin: germline.
Comment: The p.R427S variant (also known as c.1279C>A), located in coding exon 7 of the LMNA gene, results from a C to A substitution at nucleotide position 1279. The arginine at codon 427 is replaced by serine, an amino acid with dissimilar properties. This amino acid position is conserved. In addition, the in silico prediction for this alteration is inconclusive. Based on the available evidence, the clinical significance of this variant remains unclear.

NM_170707.4(LMNA):c.1279C>A (p.Arg427Ser)

Gene: LMNA (lamin A/C; plus strand). Cytogenetic location: 1q22.
Variant type: single nucleotide variant.
Coding change: c.1279C>A on transcript NM_170707.4 (MANE Select); coding-DNA position 1279, C replaced by A.
Protein change: p.Arg427Ser; replaces arginine 427 with serine.
Molecular consequence: missense variant.
Genome position (GRCh38, 1-based): chr1:156,136,335, C>A. VCF-style: chr1-156136335-C-A. GRCh37 (hg19) VCF-style: chr1-156106126-C-A.
Other names: c.943C>A, p.Arg315Ser (NM_001257374.3, NM_001406998.1, NM_001406989.1); c.1036C>A, p.Arg346Ser (NM_001282624.2, NM_001406986.1, NM_001406987.1); c.721C>A, p.Arg241Ser (NM_001406990.1, NM_001406993.1, NM_001406995.1 and 4 more transcripts); c.1279C>A, p.Arg427Ser (NM_001406991.1, NM_001406992.1, NM_170708.4 and 6 more transcripts); c.655C>A, p.Arg219Ser (NM_001406994.1, NM_001406999.1, NM_001407000.1 and 1 more transcripts); c.982C>A, p.Arg328Ser (NM_001406988.1); short protein forms R315S, R346S, R219S, R427S, R241S, R328S.
Identifiers: ClinVar variation 5023609 (VCV005023609.1).
Genomic context (GRCh38, chr1:156,136,335, plus strand): 5'-TCCCAGACACAGGGTGGGGGCAGCGTCACCAAAAAGCGCAAACTGGAGTCCACTGAGAGC[C>A]GCAGCAGCTTCTCACAGCACGCACGCACTAGCGGGCGCGTGGCCGTGGAGGAGGTGGATG-3'
Protein context (NP_733821.1, residues 417-437): KKRKLESTES[Arg427Ser]SSFSQHARTS